The following is an entry in ClinVar:

ClinVar aggregate classification (germline): Likely benign. Review status: criteria provided, multiple submitters, no conflicts (2 of 4 stars). 2 submissions from 2 submitters: Likely benign (2). Last evaluated 2023-02-14.

Conditions:
Dilated cardiomyopathy 1G (CMD1G). Identifiers: Orphanet 154, MedGen C1858763, MONDO:0011400, OMIM 604145.
Autosomal recessive limb-girdle muscular dystrophy type 2J (LGMDR10). Also called: Limb-girdle muscular dystrophy, type 2J; MUSCULAR DYSTROPHY, LIMB-GIRDLE, AUTOSOMAL RECESSIVE 10. Identifiers: Orphanet 140922, MedGen C1837342, MONDO:0012127, OMIM 608807.

Allele frequency attached by ClinVar (database versions not stated): TOPMed below 0.00001.
gnomAD v4.1: 4 of 1,609,436 alleles (0.00025%); highest among the groups gnomAD compares: Middle Eastern, 0.017%; no homozygotes.

Submissions (2):

Labcorp Genetics (formerly Invitae), Labcorp
Classification: Likely benign for Dilated cardiomyopathy 1G; Autosomal recessive limb-girdle muscular dystrophy type 2J. Last evaluated: 2023-02-14. Review status: criteria provided, single submitter. Criteria: Invitae Variant Classification Sherloc (09022015). Collection method: clinical testing. Allele origin: germline.

CeGaT Center for Human Genetics Tuebingen
Classification: Likely benign. Last evaluated: 2022-10-01. Review status: criteria provided, single submitter. Criteria: CeGaT Center For Human Genetics Tuebingen Variant Classification Criteria Version 2. Collection method: clinical testing. Allele origin: germline. Affected: yes. Observed: 1 variant allele.
Comment: TTN: BP4, BP7

NM_001267550.2(TTN):c.25329C>T (p.Ser8443=)

Gene: TTN (titin; minus strand). Cytogenetic location: 2q31.2.
Variant type: single nucleotide variant.
Coding change: c.25329C>T on transcript NM_001267550.2 (MANE Select); coding-DNA position 25329, C replaced by T.
Protein change: p.Ser8443=; no amino-acid change (serine 8443 retained).
Molecular consequence: synonymous variant. On other transcripts: intron variant (3).
Genome position (GRCh38, 1-based): chr2:178,717,545, G>A on the plus strand (C>T on the coding strand, the complement: TTN is on the minus strand). VCF-style: chr2-178717545-G-A. GRCh37 (hg19) VCF-style: chr2-179582272-G-A.
Other names: c.24378C>T, p.Ser8126= (NM_001256850.1); c.21597C>T, p.Ser7199= (NM_133378.4); c.13282+20537C>T (NM_003319.4); c.13858+20537C>T (NM_133437.4); c.13657+20537C>T (NM_133432.3).
Identifiers: ClinVar variation 1634201 (VCV001634201.32), dbSNP rs1270174085, ClinGen allele CA430285923.